The following is an entry in ClinVar:

NM_032436.4(CHAMP1):c.1943G>T (p.Gly648Val)

Gene: CHAMP1 (chromosome alignment maintaining phosphoprotein 1; plus strand). Cytogenetic location: 13q34.
Variant type: single nucleotide variant.
Coding change: c.1943G>T on transcript NM_032436.4 (MANE Select); coding-DNA position 1943, G replaced by T.
Protein change: p.Gly648Val; replaces glycine 648 with valine.
Molecular consequence: missense variant.
Genome position (GRCh38, 1-based): chr13:114,325,785, G>T. VCF-style: chr13-114325785-G-T. GRCh37 (hg19) VCF-style: chr13-115091260-G-T.
Other names: c.1943G>T, p.Gly648Val (NM_001164144.3, NM_001164145.3); short protein forms G648V.
Identifiers: ClinVar variation 846602 (VCV000846602.9), dbSNP rs138968646, ClinGen allele CA7070918.

ClinVar aggregate classification (germline): Uncertain significance (1 of 4 stars; one submission).

Allele frequency attached by ClinVar (database versions not stated): gnomAD exomes below 0.00001 and 0.00001; TOPMed below 0.00001; ExAC 0.00001; gnomAD 0.00001; ESP Exome Variant Server 0.00008.
gnomAD v4.1: 12 of 1,614,024 alleles (0.00074%); highest among the groups gnomAD compares: Non-Finnish European, 0.001%; no homozygotes.

Submission:

Labcorp Genetics (formerly Invitae), Labcorp
Classification: Uncertain significance. Last evaluated: 2021-03-29. Review status: criteria provided, single submitter. Criteria: Invitae Variant Classification Sherloc (09022015). Collection method: clinical testing. Allele origin: germline.
Comment: This sequence change replaces glycine with valine at codon 648 of the CHAMP1 protein (p.Gly648Val). The glycine residue is moderately conserved and there is a moderate physicochemical difference between glycine and valine. This variant is present in population databases (rs138968646, ExAC 0.001%). This variant has been observed in individual(s) with clinical features of CHAMP1-related intellectual disability (Invitae). ClinVar contains an entry for this variant (Variation ID: 846602). Algorithms developed to predict the effect of missense changes on protein structure and function are either unavailable or do not agree on the potential impact of this missense change (SIFT: "Tolerated"; PolyPhen-2: "Probably Damaging"; Align-GVGD: "Class C0"). In summary, the available evidence is currently insufficient to determine the role of this variant in disease. Therefore, it has been classified as a Variant of Uncertain Significance.